The following is an entry in ClinVar:

NM_001376.5(DYNC1H1):c.2284C>A (p.Leu762Met)

Gene: DYNC1H1 (dynein cytoplasmic 1 heavy chain 1; plus strand). Cytogenetic location: 14q32.31.
Variant type: single nucleotide variant.
Coding change: c.2284C>A on transcript NM_001376.5 (MANE Select); coding-DNA position 2284, C replaced by A.
Protein change: p.Leu762Met; replaces leucine 762 with methionine.
Molecular consequence: missense variant.
Genome position (GRCh38, 1-based): chr14:101,986,509, C>A. VCF-style: chr14-101986509-C-A. GRCh37 (hg19) VCF-style: chr14-102452846-C-A.
Other names: short protein forms L762M.
Identifiers: ClinVar variation 2696349 (VCV002696349.3), dbSNP rs775651372, ClinGen allele CA391022613.

ClinVar aggregate classification (germline): Uncertain significance (1 of 4 stars; one submission).

Conditions:
Charcot-Marie-Tooth disease axonal type 2O. Also called: CHARCOT-MARIE-TOOTH NEUROPATHY, AXONAL, TYPE 2O; CHARCOT-MARIE-TOOTH DISEASE, AXONAL, AUTOSOMAL DOMINANT, TYPE 2O; Charcot-Marie-Tooth Neuropathy Type 2O; Charcot-Marie-Tooth disease, axonal, type 20. Identifiers: Orphanet 284232, MedGen C3280220, MONDO:0013644, OMIM 614228.

Submission:

Labcorp Genetics (formerly Invitae), Labcorp
Classification: Uncertain significance for Charcot-Marie-Tooth disease axonal type 2O. Last evaluated: 2023-11-20. Review status: criteria provided, single submitter. Criteria: Invitae Variant Classification Sherloc (09022015). Collection method: clinical testing. Allele origin: germline.
Comment: This sequence change replaces leucine, which is neutral and non-polar, with methionine, which is neutral and non-polar, at codon 762 of the DYNC1H1 protein (p.Leu762Met). This variant is not present in population databases (gnomAD no frequency). This variant has not been reported in the literature in individuals affected with DYNC1H1-related conditions. Advanced modeling of protein sequence and biophysical properties (such as structural, functional, and spatial information, amino acid conservation, physicochemical variation, residue mobility, and thermodynamic stability) has been performed at Invitae for this missense variant, however the output from this modeling did not meet the statistical confidence thresholds required to predict the impact of this variant on DYNC1H1 protein function. In summary, the available evidence is currently insufficient to determine the role of this variant in disease. Therefore, it has been classified as a Variant of Uncertain Significance.